The following is an entry in ClinVar:

NM_000179.3(MSH6):c.125C>T (p.Pro42Leu)

Gene: MSH6 (mutS homolog 6; plus strand). Cytogenetic location: 2p16.3.
Variant type: single nucleotide variant.
Coding change: c.125C>T on transcript NM_000179.3 (MANE Select); coding-DNA position 125, C replaced by T.
Protein change: p.Pro42Leu; replaces proline 42 with leucine.
Molecular consequence: missense variant. On other transcripts: 5 prime UTR variant (1).
Genome position (GRCh38, 1-based): chr2:47,783,358, C>T. VCF-style: chr2-47783358-C-T. GRCh37 (hg19) VCF-style: chr2-48010497-C-T.
Other names: c.125C>T, p.Pro42Leu (NM_001281492.2); c.-612C>T (NM_001281493.2); short protein forms P42L.
Identifiers: ClinVar variation 479957 (VCV000479957.14), dbSNP rs1553408229, ClinGen allele CA346734880.

ClinVar aggregate classification (germline): Uncertain significance. Review status: criteria provided, multiple submitters, no conflicts (2 of 4 stars). 4 submissions from 4 submitters: Uncertain significance (4). Last evaluated 2025-07-17.

Conditions:
Hereditary cancer-predisposing syndrome. Also called: Hereditary Cancer Syndrome; Neoplastic Syndromes, Hereditary; Tumor predisposition; Hereditary neoplastic syndrome. Identifiers: Orphanet 140162, MedGen C0027672, MeSH D009386, MONDO:0015356.
Hereditary nonpolyposis colorectal neoplasms. Identifiers: MedGen C0009405, MeSH D003123.

Allele frequency attached by ClinVar (database versions not stated): gnomAD exomes below 0.00001.

Submissions (4):

Labcorp Genetics (formerly Invitae), Labcorp
Classification: Uncertain significance for Hereditary nonpolyposis colorectal neoplasms. Last evaluated: 2025-07-17. Review status: criteria provided, single submitter. Criteria: Invitae Variant Classification Sherloc (09022015). Collection method: clinical testing. Allele origin: germline.
Comment: This sequence change replaces proline, which is neutral and non-polar, with leucine, which is neutral and non-polar, at codon 42 of the MSH6 protein (p.Pro42Leu). This variant is not present in population databases (gnomAD no frequency). This variant has not been reported in the literature in individuals affected with MSH6-related conditions. ClinVar contains an entry for this variant (Variation ID: 479957). Invitae Evidence Modeling of protein sequence and biophysical properties (such as structural, functional, and spatial information, amino acid conservation, physicochemical variation, residue mobility, and thermodynamic stability) indicates that this missense variant is not expected to disrupt MSH6 protein function with a negative predictive value of 95%. In summary, the available evidence is currently insufficient to determine the role of this variant in disease. Therefore, it has been classified as a Variant of Uncertain Significance.

GeneDx
Classification: Uncertain significance. Last evaluated: 2025-03-07. Review status: criteria provided, single submitter. Criteria: GeneDx Variant Classification Process June 2021. Collection method: clinical testing. Allele origin: germline. Affected: yes.
Comment: Not observed at significant frequency in large population cohorts (gnomAD); In silico analysis indicates that this missense variant does not alter protein structure/function; Has not been previously published as pathogenic or benign to our knowledge

Ambry Genetics
Classification: Uncertain significance for Hereditary cancer-predisposing syndrome. Last evaluated: 2020-09-25. Review status: criteria provided, single submitter. Criteria: Ambry Variant Classification Scheme 2023. Collection method: clinical testing. Allele origin: germline.
Comment: The p.P42L variant (also known as c.125C>T), located in coding exon 1 of the MSH6 gene, results from a C to T substitution at nucleotide position 125. The proline at codon 42 is replaced by leucine, an amino acid with similar properties. This amino acid position is not well conserved in available vertebrate species. In addition, this alteration is predicted to be tolerated by in silico analysis. Since supporting evidence is limited at this time, the clinical significance of this alteration remains unclear.

Color Diagnostics, LLC DBA Color Health
Classification: Uncertain significance for Hereditary cancer-predisposing syndrome. Last evaluated: 2019-02-22. Review status: criteria provided, single submitter. Criteria: ACMG Guidelines, 2015. Collection method: clinical testing. Allele origin: germline.